The following is an entry in ClinVar:

NM_019109.5(ALG1):c.415G>A (p.Ala139Thr)

Gene: ALG1 (ALG1 chitobiosyldiphosphodolichol beta-mannosyltransferase; plus strand). Cytogenetic location: 16p13.3.
Variant type: single nucleotide variant.
Coding change: c.415G>A on transcript NM_019109.5 (MANE Select); coding-DNA position 415, G replaced by A.
Protein change: p.Ala139Thr; replaces alanine 139 with threonine.
Molecular consequence: missense variant.
Genome position (GRCh38, 1-based): chr16:5,075,412, G>A. VCF-style: chr16-5075412-G-A. GRCh37 (hg19) VCF-style: chr16-5125413-G-A.
Other names: c.82G>A, p.Ala28Thr (NM_001330504.2); short protein forms A28T, A139T.
Identifiers: ClinVar variation 2199978 (VCV002199978.4), dbSNP rs1485131873, ClinGen allele CA394680278.
Genomic context (GRCh38, chr16:5,075,412, plus strand): 5'-TGGGTTTCCTCCCCTTCAAGTCTCTATCTTTCCTAGAACCCCCCAGGTCTGCCTAGCATT[G>A]CTGTCTGCTGGTTCGTGGGCTGCCTTTGTGGAAGCAAGCTCGTCATTGACTGGCACAACT-3'
Protein context (NP_061982.3, residues 129-149): LQNPPGLPSI[Ala139Thr]VCWFVGCLCG

ClinVar aggregate classification (germline): Uncertain significance (1 of 4 stars; one submission).

Conditions:
ALG1-congenital disorder of glycosylation. Also called: ALG1-CDG; CONGENITAL DISORDER OF GLYCOSYLATION, TYPE Ik; CDG Ik. Identifiers: Orphanet 79327, MedGen C2931005, MONDO:0012052, OMIM 608540.

gnomAD v4.1: 3 of 1,614,152 alleles (0.00019%); highest among the groups gnomAD compares: Non-Finnish European, 0.00025%; no homozygotes.

Submission:

Labcorp Genetics (formerly Invitae), Labcorp
Classification: Uncertain significance for ALG1-congenital disorder of glycosylation. Last evaluated: 2022-05-31. Review status: criteria provided, single submitter. Criteria: Invitae Variant Classification Sherloc (09022015). Collection method: clinical testing. Allele origin: germline.
Comment: In summary, the available evidence is currently insufficient to determine the role of this variant in disease. Therefore, it has been classified as a Variant of Uncertain Significance. Advanced modeling of protein sequence and biophysical properties (such as structural, functional, and spatial information, amino acid conservation, physicochemical variation, residue mobility, and thermodynamic stability) performed at Invitae indicates that this missense variant is expected to disrupt ALG1 protein function. This variant has not been reported in the literature in individuals affected with ALG1-related conditions. This variant is not present in population databases (gnomAD no frequency). This sequence change replaces alanine, which is neutral and non-polar, with threonine, which is neutral and polar, at codon 139 of the ALG1 protein (p.Ala139Thr).